The following is an entry in ClinVar:

NM_014915.3(ANKRD26):c.826C>T (p.Pro276Ser)

Gene: ANKRD26 (ankyrin repeat domain 26; minus strand). Cytogenetic location: 10p12.1.
Variant type: single nucleotide variant.
Coding change: c.826C>T on transcript NM_014915.3 (MANE Select); coding-DNA position 826, C replaced by T.
Protein change: p.Pro276Ser; replaces proline 276 with serine.
Molecular consequence: missense variant.
Genome position (GRCh38, 1-based): chr10:27,077,681, G>A on the plus strand (C>T on the coding strand, the complement: ANKRD26 is on the minus strand). VCF-style: chr10-27077681-G-A. GRCh37 (hg19) VCF-style: chr10-27366610-G-A.
Other names: p.Pro276Ser; c.826C>T, p.Pro276Ser (NM_001256053.2); short protein forms P276S.
Identifiers: ClinVar variation 1338071 (VCV001338071.12), dbSNP rs758179353, ClinGen allele CA5448762.

ClinVar aggregate classification (germline): Uncertain significance. Review status: criteria provided, multiple submitters, no conflicts (2 of 4 stars). 7 submissions from 7 submitters: Uncertain significance (7). Last evaluated 2026-05-22.

Conditions:
ANKRD26-related disorder. Also called: ANKRD26-related condition.
Thrombocytopenia 2 (THC2). Also called: ANKRD26-Related Thrombocytopenia. Identifiers: Orphanet 268322, MedGen C1861185, MONDO:0008555, OMIM 188000.
Inborn genetic diseases. Identifiers: MedGen C0950123, MeSH D030342.

Allele frequency attached by ClinVar (database versions not stated): TOPMed 0.00001; ExAC 0.00003; gnomAD exomes 0.00004.
gnomAD v4.1: 18 of 1,612,508 alleles (0.0011%); highest among the groups gnomAD compares: Admixed American, 0.0033%; no homozygotes.

Submissions (7):

PreventionGenetics, part of Exact Sciences
Classification: Uncertain significance for ANKRD26-related condition. Last evaluated: 2026-05-22. Review status: criteria provided, single submitter. Criteria: ACMG Guidelines, 2015. Collection method: clinical testing. Allele origin: germline.
Comment: The ANKRD26 c.826C>T variant is predicted to result in the amino acid substitution p.Pro276Ser. To our knowledge, this variant has not been reported in the literature. This variant is reported in 0.0071% of alleles in individuals of European (Non-Finnish) descent in gnomAD. At this time, the clinical significance of this variant is uncertain due to the absence of conclusive functional and genetic evidence.

GeneDx
Classification: Uncertain significance. Last evaluated: 2025-06-18. Review status: criteria provided, single submitter. Criteria: GeneDx Variant Classification Process June 2021. Collection method: clinical testing. Allele origin: germline.
Comment: In silico analysis supports that this missense variant has a deleterious effect on protein structure/function; Has not been previously published as pathogenic or benign to our knowledge

Labcorp Genetics (formerly Invitae), Labcorp
Classification: Uncertain significance. Last evaluated: 2025-03-05. Review status: criteria provided, single submitter. Criteria: Invitae Variant Classification Sherloc (09022015). Collection method: clinical testing. Allele origin: germline.
Comment: This sequence change replaces proline, which is neutral and non-polar, with serine, which is neutral and polar, at codon 276 of the ANKRD26 protein (p.Pro276Ser). This variant is present in population databases (rs758179353, gnomAD 0.006%). This variant has not been reported in the literature in individuals affected with ANKRD26-related conditions. ClinVar contains an entry for this variant (Variation ID: 1338071). An algorithm developed to predict the effect of missense changes on protein structure and function outputs the following: PolyPhen-2: "Benign". The serine amino acid residue is found in multiple mammalian species, which suggests that this missense change does not adversely affect protein function. In summary, the available evidence is currently insufficient to determine the role of this variant in disease. Therefore, it has been classified as a Variant of Uncertain Significance.

Ambry Genetics
Classification: Uncertain significance for Inborn genetic diseases. Last evaluated: 2024-12-02. Review status: criteria provided, single submitter. Criteria: Ambry Variant Classification Scheme 2023. Collection method: clinical testing. Allele origin: germline.
Comment: The p.P276S variant (also known as c.826C>T), located in coding exon 8 of the ANKRD26 gene, results from a C to T substitution at nucleotide position 826. The proline at codon 276 is replaced by serine, an amino acid with similar properties. This amino acid position is conserved. In addition, this alteration is predicted to be tolerated by in silico analysis. Based on the available evidence, the clinical significance of this variant remains unclear.

Mayo Clinic Laboratories, Mayo Clinic
Classification: Uncertain significance. Last evaluated: 2024-05-10. Review status: criteria provided, single submitter. Criteria: ACMG Guidelines, 2015. Collection method: clinical testing. Allele origin: germline. Observed: 1 variant allele.
Comment: BP4, PM1_supporting

Fulgent Genetics
Classification: Uncertain significance for Thrombocytopenia 2. Last evaluated: 2024-04-30. Review status: criteria provided, single submitter. Criteria: ACMG Guidelines, 2015. Collection method: clinical testing. Allele origin: germline.

Genetic Services Laboratory, University of Chicago
Classification: Uncertain significance. Last evaluated: 2021-09-17. Review status: criteria provided, single submitter. Criteria: ACMG Guidelines, 2015. Collection method: clinical testing. Allele origin: germline. Affected: no.
Comment: DNA sequence analysis of the ANKRD26 gene demonstrated a sequence change, c.826C>T, in exon 8 that results in an amino acid change, p.Pro276Ser. This sequence change does not appear to have been previously described in individuals with ANKRD26-related disorders. This sequence change has been described in the gnomAD database with a low frequency of 0.007% in non-Finnish European subpopulation (dbSNP rs758179353). The p.Pro276Ser change affects a poorly conserved amino acid residue of the ANKRD26 protein. In-silico pathogenicity prediction tools (SIFT, PolyPhen2, Align GVGD, REVEL) provide contradictory results for the p.Pro276Ser substitution. Due to the lack of sufficient evidence, the clinical significance of the p.Pro276Ser change remains unknown at this time.